The following is an entry in ClinVar:

ClinVar aggregate classification (germline): Uncertain significance (1 of 4 stars; one submission).

Submission:

Labcorp Genetics (formerly Invitae), Labcorp
Classification: Uncertain significance. Last evaluated: 2022-08-13. Review status: criteria provided, single submitter. Criteria: Invitae Variant Classification Sherloc (09022015). Collection method: clinical testing. Allele origin: germline.
Comment: This variant has not been reported in the literature in individuals affected with CACNA1B-related conditions. In summary, the available evidence is currently insufficient to determine the role of this variant in disease. Therefore, it has been classified as a Variant of Uncertain Significance. Experimental studies and prediction algorithms are not available or were not evaluated, and the functional significance of this variant is currently unknown. This variant is not present in population databases (gnomAD no frequency). This variant, c.6383_6385del, results in the deletion of 1 amino acid(s) of the CACNA1B protein (p.Tyr2128del), but otherwise preserves the integrity of the reading frame.

NM_000718.4(CACNA1B):c.6383_6385del (p.Tyr2128del)

Gene: CACNA1B (calcium voltage-gated channel subunit alpha1 B; plus strand). Cytogenetic location: 9q34.3.
Variant type: Deletion.
Coding change: c.6383_6385del on transcript NM_000718.4 (MANE Select); coding-DNA positions 6383 to 6385, 3 bases deleted (ACT; older notation c.6383_6385delACT).
Protein change: p.Tyr2128del; deletes tyrosine 2128.
Molecular consequence: inframe deletion.
Genome position (GRCh38, 1-based): chr9:138,120,775-138,120,777, ACT deleted; deleting any 3 consecutive bases within chr9:138,120,773-138,120,777 gives the same sequence; the c. name uses the placement nearest the transcript's 3' end. VCF-style (leftmost placement, unchanged base first): chr9-138120772-TCTA-T. GRCh37 (hg19) VCF-style: chr9-141015224-TCTA-T.
Other names: c.6383_6385del, p.Tyr2128del (NM_001243812.2); short protein forms Y2128del.
Identifiers: ClinVar variation 2024090 (VCV002024090.4), dbSNP rs2539615576, ClinGen allele CA2580081058.